The following is an entry in ClinVar:

ClinVar aggregate classification (germline): Conflicting classifications of pathogenicity. Review status: criteria provided, conflicting classifications (1 of 4 stars). 3 submissions from 3 submitters: Uncertain significance (2); Likely benign (1). Last evaluated 2026-07-16.

Conditions:
RAI1-related disorder. Also called: RAI1-related condition.
Inborn genetic diseases. Identifiers: MedGen C0950123, MeSH D030342.

Allele frequency attached by ClinVar (database versions not stated): gnomAD 0.00002 and 0.00003; gnomAD exomes 0.00002 and 0.00003; TOPMed 0.00002; ExAC 0.00005.
gnomAD v4.1: 26 of 1,591,020 alleles (0.0016%); highest among the groups gnomAD compares: Admixed American, 0.011%; no homozygotes.

Submissions (3):

PreventionGenetics, part of Exact Sciences
Classification: Uncertain significance for RAI1-related condition. Last evaluated: 2026-07-16. Review status: criteria provided, single submitter. Criteria: ACMG Guidelines, 2015. Collection method: clinical testing. Allele origin: germline.
Comment: The RAI1 c.2488G>A variant is predicted to result in the amino acid substitution p.Glu830Lys. To our knowledge, this variant has not been reported in the literature. This variant is reported in 0.0098% of alleles in individuals of Latino descent in gnomAD; however, in gnomAD v4 (available only on GRCh38), this variant is reported in 0.016% of alleles in a the Admixed American subpopulation. Although we suspect this variant may be benign, at this time, the clinical significance is uncertain due to the absence of conclusive functional and genetic evidence.

Labcorp Genetics (formerly Invitae), Labcorp
Classification: Likely benign. Last evaluated: 2026-01-28. Review status: criteria provided, single submitter. Criteria: Invitae Variant Classification Sherloc (09022015). Collection method: clinical testing. Allele origin: germline.

Ambry Genetics
Classification: Uncertain significance for Inborn genetic diseases. Last evaluated: 2017-01-18. Review status: criteria provided, single submitter. Criteria: Ambry Variant Classification Scheme 2023. Collection method: clinical testing. Allele origin: germline.
Comment: The p.E830K variant (also known as c.2488G>A), located in coding exon 1 of the RAI1 gene, results from a G to A substitution at nucleotide position 2488. The glutamic acid at codon 830 is replaced by lysine, an amino acid with similar properties. This amino acid position is not well conserved in available vertebrate species. In addition, this alteration is predicted to be tolerated by in silico analysis. Since supporting evidence is limited at this time, the clinical significance of this alteration remains unclear.

NM_030665.4(RAI1):c.2488G>A (p.Glu830Lys)

Gene: RAI1 (retinoic acid induced 1; plus strand). Cytogenetic location: 17p11.2.
Variant type: single nucleotide variant.
Coding change: c.2488G>A on transcript NM_030665.4 (MANE Select); coding-DNA position 2488, G replaced by A.
Protein change: p.Glu830Lys; replaces glutamic acid 830 with lysine.
Molecular consequence: missense variant.
Genome position (GRCh38, 1-based): chr17:17,795,436, G>A. VCF-style: chr17-17795436-G-A. GRCh37 (hg19) VCF-style: chr17-17698750-G-A.
Other names: short protein forms E830K.
Identifiers: ClinVar variation 588625 (VCV000588625.13), dbSNP rs754955930, ClinGen allele CA8418552.